The following is an entry in ClinVar:

NM_001035.3(RYR2):c.7580T>C (p.Leu2527Ser)

Gene: RYR2 (ryanodine receptor 2; plus strand). Cytogenetic location: 1q43.
Variant type: single nucleotide variant.
Coding change: c.7580T>C on transcript NM_001035.3 (MANE Select); coding-DNA position 7580, T replaced by C.
Protein change: p.Leu2527Ser; replaces leucine 2527 with serine.
Molecular consequence: missense variant.
Genome position (GRCh38, 1-based): chr1:237,649,944, T>C. VCF-style: chr1-237649944-T-C. GRCh37 (hg19) VCF-style: chr1-237813244-T-C.
Other names: short protein forms L2527S.
Identifiers: ClinVar variation 3070950 (VCV003070950.1), dbSNP rs1682561583, ClinGen allele CA345399117.

ClinVar aggregate classification (germline): Uncertain significance (1 of 4 stars; one submission).

Conditions:
Catecholaminergic polymorphic ventricular tachycardia (CVPT). Also called: Catecholamine-induced polymorphic ventricular tachycardia. Identifiers: Orphanet 3286, MedGen C5574922, MONDO:0017990.

Submission:

All of Us Research Program, National Institutes of Health
Classification: Uncertain significance for Catecholaminergic polymorphic ventricular tachycardia. Last evaluated: 2023-05-15. Review status: criteria provided, single submitter. Criteria: ACMG Guidelines, 2015. Collection method: clinical testing. Allele origin: germline. Inheritance: Autosomal dominant inheritance. Observed: 1 variant allele, 1 heterozygote.
Comment: This missense variant replaces leucine with serine at codon 2527 of the RYR2 protein. Computational prediction suggests that this variant may have deleterious impact on protein structure and function (internally defined REVEL score threshold >= 0.7, PMID: 27666373). To our knowledge, functional studies have not been reported for this variant. This variant has not been reported in individuals affected with RYR2-related disorders in the literature. This variant has not been identified in the general population by the Genome Aggregation Database (gnomAD). The available evidence is insufficient to determine the role of this variant in disease conclusively. Therefore, this variant is classified as a Variant of Uncertain Significance.

This study involves interpretation of variants in research participants for the purpose of population health screening. Participant phenotype was not available at the time of variant classification. Additional details can be found in publication PMID: 35346344, PMCID: PMC8962531